The following is an entry in ClinVar:

NM_198253.3(TERT):c.1478A>T (p.Lys493Met)

Gene: TERT (telomerase reverse transcriptase; minus strand). Cytogenetic location: 5p15.33.
Variant type: single nucleotide variant.
Coding change: c.1478A>T on transcript NM_198253.3 (MANE Select); coding-DNA position 1478, A replaced by T.
Protein change: p.Lys493Met; replaces lysine 493 with methionine.
Molecular consequence: missense variant. On other transcripts: non-coding transcript variant (2).
Genome position (GRCh38, 1-based): chr5:1,293,408, T>A on the plus strand (A>T on the coding strand, the complement: TERT is on the minus strand). VCF-style: chr5-1293408-T-A. GRCh37 (hg19) VCF-style: chr5-1293523-T-A.
Other names: c.1478A>T, p.Lys493Met (NM_001193376.3, NM_003219.1); short protein forms K493M.
Identifiers: ClinVar variation 3238512 (VCV003238512.1), dbSNP rs1205855450.

ClinVar aggregate classification (germline): Uncertain significance (1 of 4 stars; one submission).

Conditions:
Dyskeratosis congenita. Identifiers: Orphanet 1775, MedGen C0265965, MONDO:0015780.

Submission:

Ambry Genetics
Classification: Uncertain significance for Dyskeratosis congenita. Last evaluated: 2023-12-08. Review status: criteria provided, single submitter. Criteria: Ambry Variant Classification Scheme 2023. Collection method: clinical testing. Allele origin: germline.
Comment: The p.K493M variant (also known as c.1478A>T), located in coding exon 2 of the TERT gene, results from an A to T substitution at nucleotide position 1478. The lysine at codon 493 is replaced by methionine, an amino acid with similar properties. This amino acid position is conserved. In addition, this alteration is predicted to be tolerated by in silico analysis. Since supporting evidence is limited at this time, the clinical significance of this alteration remains unclear.